The following is an entry in ClinVar:

NM_001370259.2(MEN1):c.923C>A (p.Ser308Ter)

Gene: MEN1 (menin 1; minus strand). Cytogenetic location: 11q13.1.
Variant type: single nucleotide variant.
Coding change: c.923C>A on transcript NM_001370259.2 (MANE Select); coding-DNA position 923, C replaced by A.
Protein change: p.Ser308Ter; replaces serine 308 with a stop codon.
Molecular consequence: nonsense.
Genome position (GRCh38, 1-based): chr11:64,806,358, G>T on the plus strand (C>A on the coding strand, the complement: MEN1 is on the minus strand). VCF-style: chr11-64806358-G-T. GRCh37 (hg19) VCF-style: chr11-64573830-G-T.
Other names: c.938C>A, p.Ser313Ter (NM_000244.4, NM_130800.3, NM_130801.3 and 3 more transcripts); c.923C>A, p.Ser308Ter (NM_001370251.2, NM_001370260.2, NM_001370261.2 and 1 more transcripts); c.818C>A, p.Ser273Ter (NM_001370262.2, NM_001370263.2); short protein forms S308*, S313*, S273*.
Identifiers: ClinVar variation 618712 (VCV000618712.11), dbSNP rs1565644366, ClinGen allele CA381183442.
Genomic context (GRCh38, chr11:64,806,358, plus strand): 5'-TGGTAGCCAGCCAGGTACATGTAGGGGTAGATGTGTTCATCCCGATAGTAGGTCTTGGCT[G>T]AGGCAATGCCCTGGATGGAGGTGAGGCAGAGGATCCTCAGGGAGGCAGCCCCAGCTGCCC-3'

ClinVar aggregate classification (germline): Pathogenic. Review status: criteria provided, multiple submitters, no conflicts (2 of 4 stars). 3 submissions from 3 submitters: Pathogenic (3). Last evaluated 2024-05-21.

Conditions:
Hereditary cancer-predisposing syndrome. Also called: Tumor predisposition; Neoplastic Syndromes, Hereditary; Hereditary Cancer Syndrome; Hereditary neoplastic syndrome. Identifiers: Orphanet 140162, MedGen C0027672, MeSH D009386, MONDO:0015356.
Multiple endocrine neoplasia, type 1 (MEN1). Also called: Endocrine adenomatosis multiple; MEN 1; WERMER SYNDROME; MEA I; MEN I. Identifiers: Orphanet 652, MedGen C0025267, MeSH D018761, MONDO:0007540, OMIM 131100.

Submissions (3):

Women's Health and Genetics/Laboratory Corporation of America, LabCorp
Classification: Pathogenic for Multiple endocrine neoplasia, type 1. Last evaluated: 2024-05-21. Review status: criteria provided, single submitter. Criteria: LabCorp Variant Classification Summary - May 2015. Collection method: clinical testing. Allele origin: germline.
Comment: Variant summary: MEN1 c.923C>A (p.Ser308X) results in a premature termination codon, predicted to cause a truncation of the encoded protein or absence of the protein due to nonsense mediated decay, which are commonly known mechanisms for disease. The variant was absent in 251468 control chromosomes (gnomAD). c.923C>A has been reported in the literature in at least an individual affected with Multiple Endocrine Neoplasia Type 1 (example: Agarwal_1997). The following publications have been ascertained in the context of this evaluation (PMID: 9215689). ClinVar contains an entry for this variant (Variation ID: 618712). Based on the evidence outlined above, the variant was classified as pathogenic.

Ambry Genetics
Classification: Pathogenic for Hereditary cancer-predisposing syndrome. Last evaluated: 2019-04-05. Review status: criteria provided, single submitter. Criteria: Ambry Variant Classification Scheme 2023. Collection method: clinical testing. Allele origin: germline.
Comment: The p.S308* pathogenic mutation (also known as c.923C>A), located in coding exon 6 of the MEN1 gene, results from a C to A substitution at nucleotide position 923. This changes the amino acid from a serine to a stop codon within coding exon 6. This alteration has been reported in an individual with a clinical diagnosis of multiple endocrine neoplasia type 1 (Agarwal SK et al. Hum. Mol. Genet. 1997 Jul;6:1169-75). In addition to the clinical data presented in the literature, this alteration is expected to result in loss of function by premature protein truncation or nonsense-mediated mRNA decay. As such, this alteration is interpreted as a disease-causing mutation.

ARUP Laboratories, Molecular Genetics and Genomics, ARUP Laboratories
Classification: Pathogenic. Last evaluated: 2018-04-25. Review status: criteria provided, single submitter. Criteria: ARUP Molecular Germline Variant Investigation Process. Collection method: clinical testing. Allele origin: germline.
Comment: The MEN1 c.923C>A; p.Ser308Ter variant has been described in individuals affected with multiple endocrine neoplasia type 1 (Agarwal 1997, Liu 2013). It is absent from general population databases (1000 Genomes Project, Exome Variant Server, and Genome Aggregation Database), indicating it is not a common polymorphism. This variant induces an early termination codon and is predicted to result in a truncated protein or mRNA subject to nonsense-mediated decay. Based on available information, this variant is considered pathogenic. References: Agarwal S et al. Germline mutations of the MEN1 gene in familial multiple endocrine neoplasia type 1 and related states. Hum Mol Genet. 1997 Jul;6(7):1169-75. Liu W et al. A novel germline mutation of the MEN1 gene caused multiple endocrine neoplasia type 1 in a Chinese young man and 1 year follow-up. Eur Rev Med Pharmacol Sci. 2013 Nov;17(22):3111-6.

Literature cited by the submitters: PubMed 9215689 (cited by Women's Health and Genetics/Laboratory Corporation of America, LabCorp and Ambry Genetics); PubMed 25525159 (cited by Ambry Genetics).